The following is an entry in ClinVar:

NM_004446.3(EPRS1):c.944-3T>C

Gene: EPRS1 (glutamyl-prolyl-tRNA synthetase 1; minus strand). Cytogenetic location: 1q41.
Variant type: single nucleotide variant.
Coding change: c.944-3T>C on transcript NM_004446.3 (MANE Select); 3 bases into the intron before coding-DNA position 944, T replaced by C.
Molecular consequence: intron variant.
Genome position (GRCh38, 1-based): chr1:220,022,521, A>G on the plus strand (T>C on the coding strand, the complement: EPRS1 is on the minus strand). VCF-style: chr1-220022521-A-G. GRCh37 (hg19) VCF-style: chr1-220195863-A-G.
Identifiers: ClinVar variation 3666224 (VCV003666224.1).

ClinVar aggregate classification (germline): Uncertain significance (1 of 4 stars; one submission).

gnomAD v4.1: 61 of 1,604,546 alleles (0.0038%); highest among the groups gnomAD compares: African/African-American, 0.076%; no homozygotes.

Submission:

Labcorp Genetics (formerly Invitae), Labcorp
Classification: Uncertain significance. Last evaluated: 2024-11-05. Review status: criteria provided, single submitter. Criteria: Invitae Variant Classification Sherloc (09022015). Collection method: clinical testing. Allele origin: germline.
Comment: This sequence change falls in intron 8 of the EPRS gene. It does not directly change the encoded amino acid sequence of the EPRS protein. It affects a nucleotide within the consensus splice site. This variant is present in population databases (rs377165990, gnomAD 0.09%). This variant has not been reported in the literature in individuals affected with EPRS-related conditions. Variants that disrupt the consensus splice site are a relatively common cause of aberrant splicing (PMID: 17576681, 9536098). Algorithms developed to predict the effect of sequence changes on RNA splicing suggest that this variant is not likely to affect RNA splicing. In summary, the available evidence is currently insufficient to determine the role of this variant in disease. Therefore, it has been classified as a Variant of Uncertain Significance.

Literature cited by the submitters: PubMed 17576681; PubMed 9536098.